The following is an entry in ClinVar:

NM_002049.4(GATA1):c.230T>G (p.Val77Gly)

Gene: GATA1 (GATA binding protein 1; plus strand). Cytogenetic location: Xp11.23.
Variant type: single nucleotide variant.
Coding change: c.230T>G on transcript NM_002049.4 (MANE Select); coding-DNA position 230, T replaced by G.
Protein change: p.Val77Gly; replaces valine 77 with glycine.
Molecular consequence: missense variant.
Genome position (GRCh38, 1-based): chrX:48,791,853, T>G. VCF-style: chrX-48791853-T-G. GRCh37 (hg19) VCF-style: chrX-48650260-T-G.
Other names: short protein forms V77G.
Identifiers: ClinVar variation 1356635 (VCV001356635.8), dbSNP rs2147306078, ClinGen allele CA412867477.
Genomic context (GRCh38, chrX:48,791,853, plus strand): 5'-CCTAGACTGATTTTGCCTCTTCTTTCCTCCATCCCTACCTGCCCCCAACAGTCTTTCAGG[T>G]GTACCCATTGCTCAACTGTATGGAGGGGATCCCAGGGGGCTCACCATATGCCGGCTGGGC-3'
Protein context (NP_002040.1, residues 67-87): EAYRHSPVFQ[Val77Gly]YPLLNCMEGI

ClinVar aggregate classification (germline): Uncertain significance (1 of 4 stars; one submission).

Conditions:
Diamond-Blackfan anemia. Also called: Blackfan Diamond syndrome; Aregenerative anemia chronic congenital; Red cell aplasia, pure hereditary; Congenital hypoplastic anemia; Aase syndrome. Identifiers: Orphanet 124, MedGen C1260899, MeSH D029503, MONDO:0015253, HP:0004810.
GATA binding protein 1 related thrombocytopenia with dyserythropoiesis. Also called: GATA1-Related Cytopenia; GATA1-Related X-Linked Cytopenia. Identifiers: MedGen C1845837, MONDO:0100089.

Submission:

Labcorp Genetics (formerly Invitae), Labcorp
Classification: Uncertain significance for GATA binding protein 1 related thrombocytopenia with dyserythropoiesis; Diamond-Blackfan anemia. Last evaluated: 2021-05-27. Review status: criteria provided, single submitter. Criteria: Invitae Variant Classification Sherloc (09022015). Collection method: clinical testing. Allele origin: germline.
Comment: This variant has not been reported in the literature in individuals with GATA1-related conditions. This sequence change replaces valine with glycine at codon 77 of the GATA1 protein (p.Val77Gly). The valine residue is highly conserved and there is a moderate physicochemical difference between valine and glycine. This variant is not present in population databases (ExAC no frequency). Algorithms developed to predict the effect of missense changes on protein structure and function are either unavailable or do not agree on the potential impact of this missense change (SIFT: "Deleterious"; PolyPhen-2: "Probably Damaging"; Align-GVGD: "Class C0"). In summary, the available evidence is currently insufficient to determine the role of this variant in disease. Therefore, it has been classified as a Variant of Uncertain Significance.